The following is an entry in ClinVar:

NM_000350.3(ABCA4):c.3322C>T (p.Arg1108Cys)

Gene: ABCA4 (ATP binding cassette subfamily A member 4; minus strand). Cytogenetic location: 1p22.1.
Variant type: single nucleotide variant.
Coding change: c.3322C>T on transcript NM_000350.3 (MANE Select); coding-DNA position 3322, C replaced by T.
Protein change: p.Arg1108Cys; replaces arginine 1108 with cysteine.
Molecular consequence: missense variant.
Genome position (GRCh38, 1-based): chr1:94,042,767, G>A on the plus strand (C>T on the coding strand, the complement: ABCA4 is on the minus strand). VCF-style: chr1-94042767-G-A. GRCh37 (hg19) VCF-style: chr1-94508323-G-A.
Other names: NM_000350.3(ABCA4):c.3322C>T; c.3100C>T, p.Arg1034Cys (NM_001425324.1); short protein forms R1108C, R1034C.
Identifiers: ClinVar variation 92867 (VCV000092867.74), dbSNP rs61750120, ClinGen allele CA220683.

ClinVar aggregate classification (germline): Pathogenic. Review status: reviewed by expert panel (3 of 4 stars). 25 submissions from 24 submitters: Pathogenic (1). 24 of the submissions do not count toward it. Last evaluated 2026-06-23.

Conditions:
ABCA4-related retinopathy. Also called: ABCA4-related retinoapthy; ABCA4 retinoapthy. Identifiers: MedGen CN322612, MONDO:0800406.
Severe early-childhood-onset retinal dystrophy (STGD1). Also called: Stargardt macular dystrophy; Juvenile onset macular degeneration; Stargardt disease 1; MACULAR DYSTROPHY WITH FLECKS, TYPE 1; STGD. Identifiers: Orphanet 364055, Orphanet 827, MedGen C1855465, MeSH D000080362, MONDO:0009549, OMIM 248200.
Cone-rod dystrophy 3 (CORD3). Identifiers: Orphanet 1872, MedGen C1858806, MONDO:0011395, OMIM 604116.
Retinitis pigmentosa 19 (RP19). Also called: ABCA4-Related Retinitis Pigmentosa. Identifiers: Orphanet 791, MedGen C1866422, MONDO:0011137, OMIM 601718.
Retinal dystrophy. Also called: Inherited retinal dystrophy. Identifiers: Orphanet 71862, MedGen C0854723, MeSH D058499, MONDO:0019118, HP:0000556.
Inborn genetic diseases. Identifiers: MedGen C0950123, MeSH D030342.
ABCA4-related disorder. Also called: ABCA4-related disorders; ABCA4-related condition. Identifiers: MedGen CN239167.
Age related macular degeneration 2. Also called: MACULOPATHY, AGE-RELATED; MACULAR DEGENERATION, SENILE; MACULOPATHY, AGE-RELATED, 2. Identifiers: MedGen C3495438, MONDO:0007932, OMIM 153800.
Stargardt disease (FFM). Also called: Stargardt's disease; Fundus flavimaculatus. Identifiers: Orphanet 827, MedGen C0271093, MONDO:0019353.
Retinal disorder. Also called: Retinal disorders; Retinopathy; Retinopathies; Retinal Diseases. Identifiers: MedGen C0035309, MONDO:0005283, HP:0000488.

Allele frequency attached by ClinVar (database versions not stated): TOPMed 0.00012; gnomAD 0.00019; ESP Exome Variant Server 0.00008; ExAC 0.00012; 1000 Genomes Project 0.00060; gnomAD exomes 0.00012 and 0.00020; 1000 Genomes Project 30x 0.00047.
gnomAD v4.1: 313 of 1,614,208 alleles (0.019%); highest among the groups gnomAD compares: Non-Finnish European, 0.025%; no homozygotes.

Submissions 1 to 7 of 25:

ClinGen ABCA4 Variant Curation Expert Panel, Clingen
Classification: Pathogenic for ABCA4-related retinopathy. Last evaluated: 2026-06-23. Review status: reviewed by expert panel. Criteria: ClinGen ABCA4 ACMG Specifications V1.0.0. Collection method: curation. Allele origin: germline. Inheritance: Autosomal recessive inheritance.
Comment: The NM_000350.3:c.3322C>T variant in ABCA4 is a missense variant predicted to cause substitution of arginine by cysteine at amino acid 1108; p.Arg1108Cys. The computational predictor REVEL gives a score of 0.887 which is above the threshold of >0.772 (PP3_Moderate). The prevalence of the variant in affected individuals is significantly increased compared with the prevalence in controls with an OR of 79.8 and CI of 50.21-133.45, which is above the ABCA4 VCEP threshold of ≥5, where the CI does not contain 1 (PS4; PMID: 35120629). This variant has been detected in many individuals with ABCA4-related retinopathy. Of those individuals, at least six were compound heterozygous for the variant, and a pathogenic or likely pathogenic variant (c.5882G>A/p.G1961E; c.5714+5G>A; c.4139C>T/p.Pro1380Leu; c.3056C>T/p.Thr1019Met; c.4577C>T/p.Thr1526Met), and one of those was confirmed in trans by family testing (3.5 PM3 Points; PM3_Strong; PMID: 32531858, 37705246). The variant has been reported to segregate with ABCA4-related retinopathy in the proband and 1 similarly affected relative (PP1; PMID: 32531858). In summary, this variant meets the criteria to be classified as pathogenic for ABCA4-related retinopathy based on the ACMG/AMP criteria applied, as specified by the ClinGen ABCA4 VCEP (Specification Version 1.0.0): PP3_Moderate, PS4, PM3_Strong, PP1.

PreventionGenetics, part of Exact Sciences
Classification: Pathogenic for ABCA4-related condition. Last evaluated: 2026-07-08. Review status: criteria provided, single submitter. Criteria: ACMG Guidelines, 2015. Collection method: clinical testing. Allele origin: germline. Not counted in ClinVar's aggregate classification.
Comment: The ABCA4 c.3322C>T variant is predicted to result in the amino acid substitution p.Arg1108Cys. This variant has been reported along with a second ABCA4 variant in multiple individuals with Stargardt disease or unspecified retinal disease (see for examples Rozet et al. 1998. PubMed ID: 9781034; Bertelsen et al. 2014. PubMed ID: 24713488; Duncker et al. 2015. PubMed ID: 25283059; Zhu et al. 2021. PubMed ID: 33732702; Table S1, Lin et al. 2024. PubMed ID: 38219857). This variant is present in 0.020% of alleles in individuals of European (Non-Finnish) descent in gnomAD. Given the evidence, we interpret this variant as pathogenic.

Labcorp Genetics (formerly Invitae), Labcorp
Classification: Pathogenic. Last evaluated: 2026-01-24. Review status: criteria provided, single submitter. Criteria: Invitae Variant Classification Sherloc (09022015). Collection method: clinical testing. Allele origin: germline. Not counted in ClinVar's aggregate classification.
Comment: This sequence change replaces arginine, which is basic and polar, with cysteine, which is neutral and slightly polar, at codon 1108 of the ABCA4 protein (p.Arg1108Cys). This variant is present in population databases (rs61750120, gnomAD 0.02%). This missense change has been observed in individual(s) with Stargardt disease and retinitis pigmentosa (PMID: 10958763, 11379881, 16703556, 26103963, 30337596). In at least one individual the data is consistent with being in trans (on the opposite chromosome) from a pathogenic variant. ClinVar contains an entry for this variant (Variation ID: 92867). Invitae Evidence Modeling of protein sequence and biophysical properties (such as structural, functional, and spatial information, amino acid conservation, physicochemical variation, residue mobility, and thermodynamic stability) indicates that this missense variant is expected to disrupt ABCA4 protein function with a positive predictive value of 95%. Experimental studies have shown that this missense change affects ABCA4 function (PMID: 26092729). For these reasons, this variant has been classified as Pathogenic.

Genetics Laboratory, Great Ormond Street Hospital NHS Foundation Trust, North Thames Genomic Laboratory Hub
Classification: Pathogenic for Retinal disorders. Last evaluated: 2025-09-05. Review status: criteria provided, single submitter. Criteria: ACGS Best Practice Guidelines for Variant Classification in Rare Disease 2024 v1.2. Collection method: clinical testing. Allele origin: germline. Affected: yes. Not counted in ClinVar's aggregate classification.
Comment: PM2_moderate, PP3_supporting, PM5_moderate, PM3_very-strong

First Genomix Gene Laboratory, Genetic Diagnostics Department
Classification: Pathogenic for Cone-rod dystrophy 3; Severe early-childhood-onset retinal dystrophy; Retinitis pigmentosa 19. Last evaluated: 2025-09-04. Review status: criteria provided, single submitter. Criteria: ACMG Guidelines, 2015. Collection method: clinical testing. Allele origin: germline. Inheritance: Autosomal recessive inheritance. Affected: no. Observed: 1 variant allele. Not counted in ClinVar's aggregate classification.

Ambry Genetics
Classification: Pathogenic for Inborn genetic diseases. Last evaluated: 2024-12-23. Review status: criteria provided, single submitter. Criteria: Ambry Variant Classification Scheme 2023. Collection method: clinical testing. Allele origin: germline. Not counted in ClinVar's aggregate classification.
Comment: The c.3322C>T (p.R1108C) alteration is located in exon 22 (coding exon 22) of the ABCA4 gene. This alteration results from a C to T substitution at nucleotide position 3322, causing the arginine (R) at amino acid position 1108 to be replaced by a cysteine (C). Based on data from gnomAD, the T allele has an overall frequency of 0.0127% (36/282728) total alleles studied. The highest observed frequency was 0.0201% (26/129052) of European (non-Finnish) alleles. This variant has been identified in the homozygous state and/or in conjunction with other ABCA4 variants in multiple individuals with features consistent with ABCA4-related retinal dystrophy; in at least one instance, the variants were identified in trans (Rivera, 2000; Bertelsen, 2014; Boulanger-Scemama, 2015; Ezquerra-Inchausti, 2018). This amino acid position is highly conserved in available vertebrate species. In an assay testing ABCA4 function, this variant showed a functionally abnormal result (Sabirzhanova, 2015). This alteration is predicted to be deleterious by in silico analysis. Based on the available evidence, this alteration is classified as pathogenic.

3billion
Classification: Pathogenic for Retinitis pigmentosa 19. Last evaluated: 2024-10-10. Review status: criteria provided, single submitter. Criteria: ACMG Guidelines, 2015. Collection method: clinical testing. Allele origin: germline. Affected: yes. Not counted in ClinVar's aggregate classification.
Comment: The variant is observed at an extremely low frequency in the gnomAD v4.1.0 dataset (total allele frequency: 0.019%). Predicted Consequence/Location: The variant is located in a mutational hot spot and/or well-established functional domain in which established pathogenic variants have been reported. In silico tool predictions suggest damaging effect of the variant on gene or gene product [REVEL: 0.89 (>=0.6, sensitivity 0.68 and specificity 0.92); 3Cnet: 0.91 (>=0.6, sensitivity 0.72 and precision 0.9)]. The same nucleotide change resulting in the same amino acid change has been previously reported as pathogenic/likely pathogenic with strong evidence (ClinVar ID: VCV000092867 /PMID: 9781034). Different missense changes at the same codon (p.Arg1108His, p.Arg1108Leu) have been reported as pathogenic/likely pathogenic with strong evidence (ClinVar ID: VCV000099219, VCV000099220 /PMID: 11328725, 11527935). Therefore, this variant is classified as Pathogenic according to the recommendation of ACMG/AMP guideline.